The following is an entry in ClinVar:

NM_000256.3(MYBPC3):c.3274G>A (p.Val1092Ile)

Gene: MYBPC3 (myosin binding protein C3; minus strand). Cytogenetic location: 11p11.2.
Variant type: single nucleotide variant.
Coding change: c.3274G>A on transcript NM_000256.3 (MANE Select); coding-DNA position 3274, G replaced by A.
Protein change: p.Val1092Ile; replaces valine 1092 with isoleucine.
Molecular consequence: missense variant.
Genome position (GRCh38, 1-based): chr11:47,333,250, C>T on the plus strand (G>A on the coding strand, the complement: MYBPC3 is on the minus strand). VCF-style: chr11-47333250-C-T. GRCh37 (hg19) VCF-style: chr11-47354801-C-T.
Other names: short protein forms V1092I.
Identifiers: ClinVar variation 853728 (VCV000853728.8), dbSNP rs778853122, ClinGen allele CA079256.
Genomic context (GRCh38, chr11:47,333,250, plus strand): 5'-TCACCATGGTCTTCTTGTCGGCTTTCTGCACTGTGTACCCCCAGAGCTCCGTGTTGCCGA[C>T]ATCCTGGGGTGGCTTCCACTCCAGAGCCACATTAAGACCCCAGGCGTCAGTCACCCGGAG-3'
Protein context (NP_000247.2, residues 1082-1102): VALEWKPPQD[Val1092Ile]GNTELWGYTV

ClinVar aggregate classification (germline): Uncertain significance. Review status: criteria provided, multiple submitters, no conflicts (2 of 4 stars). 3 submissions from 3 submitters: Uncertain significance (3). Last evaluated 2025-12-13.

Conditions:
Cardiomyopathy (CMYO). Also called: Cardiomyopathies. Identifiers: Orphanet 167848, MedGen C0878544, MONDO:0004994, HP:0001638. Inheritance: Various modes of inheritance.
Hypertrophic cardiomyopathy. Also called: HYPERTROPHIC MYOCARDIOPATHY. Identifiers: Orphanet 217569, MedGen C0007194, MeSH D002312, MONDO:0005045, HP:0001639.

Allele frequency attached by ClinVar (database versions not stated): gnomAD below 0.00001 and 0.00001; gnomAD exomes 0.00002 and 0.00004; ExAC 0.00008.
gnomAD v4.1: 33 of 1,587,224 alleles (0.0021%); highest among the groups gnomAD compares: South Asian, 0.034%; no homozygotes.

Submissions (3):

Labcorp Genetics (formerly Invitae), Labcorp
Classification: Uncertain significance for Hypertrophic cardiomyopathy. Last evaluated: 2025-12-13. Review status: criteria provided, single submitter. Criteria: Invitae Variant Classification Sherloc (09022015). Collection method: clinical testing. Allele origin: germline.
Comment: This sequence change replaces valine, which is neutral and non-polar, with isoleucine, which is neutral and non-polar, at codon 1092 of the MYBPC3 protein (p.Val1092Ile). This variant is present in population databases (rs778853122, gnomAD 0.03%). This missense change has been observed in individual(s) with hypertrophic cardiomyopathy (PMID: 32841044). ClinVar contains an entry for this variant (Variation ID: 853728). An algorithm developed to predict the effect of missense changes on protein structure and function (PolyPhen-2) suggests that this variant is likely to be tolerated. In summary, the available evidence is currently insufficient to determine the role of this variant in disease. Therefore, it has been classified as a Variant of Uncertain Significance.

All of Us Research Program, National Institutes of Health
Classification: Uncertain significance for Hypertrophic cardiomyopathy. Last evaluated: 2022-12-07. Review status: criteria provided, single submitter. Criteria: ACMG Guidelines, 2015. Collection method: clinical testing. Allele origin: germline. Inheritance: Autosomal dominant inheritance. Observed: 1 variant allele, 1 heterozygote.
Comment: This missense variant replaces valine with isoleucine at codon 1092 of the MYBPC3 protein. Computational prediction suggests that this variant may not impact protein structure and function (internally defined REVEL score threshold <= 0.5, PMID: 27666373). To our knowledge, functional studies have not been reported for this variant. This variant has not been reported in individuals affected with cardiovascular disorders in the literature. This variant has been identified in 9/202588 chromosomes in the general population by the Genome Aggregation Database (gnomAD). The available evidence is insufficient to determine the role of this variant in disease conclusively. Therefore, this variant is classified as a Variant of Uncertain Significance.

This study involves interpretation of variants in research participants for the purpose of population health screening. Participant phenotype was not available at the time of variant classification. Additional details can be found in publication PMID: 35346344, PMCID: PMC8962531

Color Diagnostics, LLC DBA Color Health
Classification: Uncertain significance for Cardiomyopathy. Last evaluated: 2022-12-06. Review status: criteria provided, single submitter. Criteria: ACMG Guidelines, 2015. Collection method: clinical testing. Allele origin: germline.
Comment: This missense variant replaces valine with isoleucine at codon 1092 of the MYBPC3 protein. Computational prediction suggests that this variant may not impact protein structure and function (internally defined REVEL score threshold <= 0.5, PMID: 27666373). To our knowledge, functional studies have not been reported for this variant. This variant has been reported in an individual affected with hypertrophic cardiomyopathy (PMID: 32841044). This variant has been identified in 9/202588 chromosomes in the general population by the Genome Aggregation Database (gnomAD). The available evidence is insufficient to determine the role of this variant in disease conclusively. Therefore, this variant is classified as a Variant of Uncertain Significance.

Literature cited by the submitters: PubMed 32841044 (cited by Labcorp Genetics (formerly Invitae), Labcorp and Color Diagnostics, LLC DBA Color Health).